The following is an entry in ClinVar:

ClinVar aggregate classification (germline): Pathogenic (1 of 4 stars; one submission).

Conditions:
Cerebral cavernous malformation 2. Also called: Familial Cerebral Cavernous Malformation 2. Identifiers: Orphanet 221061, MedGen C1864041, MONDO:0011304, OMIM 603284.

Submission:

Labcorp Genetics (formerly Invitae), Labcorp
Classification: Pathogenic for Cerebral cavernous malformation 2. Last evaluated: 2022-08-04. Review status: criteria provided, single submitter. Criteria: Invitae Variant Classification Sherloc (09022015). Collection method: clinical testing. Allele origin: germline.
Comment: This variant is not present in population databases (gnomAD no frequency). This variant has not been reported in the literature in individuals affected with CCM2-related conditions. For these reasons, this variant has been classified as Pathogenic. This sequence change creates a premature translational stop signal (p.Phe17Serfs*7) in the CCM2 gene. It is expected to result in an absent or disrupted protein product. Loss-of-function variants in CCM2 are known to be pathogenic (PMID: 18300272, 24689081).

Literature cited by the submitters: PubMed 18300272; PubMed 24689081.

NM_031443.4(CCM2):c.50_54del (p.Phe17fs)

Gene: CCM2 (CCM2 scaffold protein; plus strand). Cytogenetic location: 7p13.
Variant type: Deletion.
Coding change: c.50_54del on transcript NM_031443.4 (MANE Select); coding-DNA positions 50 to 54, 5 bases deleted (TTAAA; older notation c.50_54delTTAAA).
Protein change: p.Phe17fs; shifts the reading frame from phenylalanine 17.
Molecular consequence: frameshift variant. On other transcripts: non-coding transcript variant (1), intron variant (2).
Genome position (GRCh38, 1-based): chr7:45,038,272-45,038,276, TTAAA deleted. VCF-style (leftmost placement, unchanged base first): chr7-45038271-TTTAAA-T. GRCh37 (hg19) VCF-style: chr7-45077870-TTTAAA-T.
Other names: c.113_117del, p.Phe38fs (NM_001029835.2); c.50_54del, p.Phe17fs (NM_001167935.2, NM_001363458.2); c.31-25646_31-25642del (NM_001363459.2, NM_001167934.2); short protein forms F17fs, F38fs.
Identifiers: ClinVar variation 2021487 (VCV002021487.4), dbSNP rs2485984791, ClinGen allele CA2580077186.